The following is an entry in ClinVar:

ClinVar aggregate classification (germline): Pathogenic (1 of 4 stars; one submission).

Conditions:
Neurofibromatosis, type 1 (NF1). Also called: VON RECKLINGHAUSEN DISEASE; Peripheral type neurofibromatosis; NEUROFIBROMATOSIS, TYPE I, SOMATIC; Neurofibromatosis, type I. Identifiers: Orphanet 636, MedGen C0027831, MONDO:0018975, OMIM 162200. Disease mechanism: loss of function.

Submission:

Labcorp Genetics (formerly Invitae), Labcorp
Classification: Pathogenic for Neurofibromatosis, type 1. Last evaluated: 2025-12-24. Review status: criteria provided, single submitter. Criteria: Invitae Variant Classification Sherloc (09022015). Collection method: clinical testing. Allele origin: germline.
Comment: This sequence change replaces leucine, which is neutral and non-polar, with valine, which is neutral and non-polar, at codon 2112 of the NF1 protein (p.Leu2112Val). This variant is not present in population databases (gnomAD no frequency). This missense change has been observed in individual(s) with neurofibromatosis type 1 (PMID: 25074460). Invitae Evidence Modeling of protein sequence and biophysical properties (such as structural, functional, and spatial information, amino acid conservation, physicochemical variation, residue mobility, and thermodynamic stability) indicates that this missense variant is expected to disrupt NF1 protein function with a positive predictive value of 95%. This variant disrupts the p.Leu2112 amino acid residue in NF1. Other variant(s) that disrupt this residue have been determined to be pathogenic (PMID: 23656349, 25074460; internal data). This suggests that this residue is clinically significant, and that variants that disrupt this residue are likely to be disease-causing. For these reasons, this variant has been classified as Pathogenic.

Literature cited by the submitters: PubMed 25074460; PubMed 23656349.

NM_001042492.3(NF1):c.6397C>G (p.Leu2133Val)

Gene: NF1 (neurofibromin 1; plus strand). Cytogenetic location: 17q11.2.
Variant type: single nucleotide variant.
Coding change: c.6397C>G on transcript NM_001042492.3 (MANE Select); coding-DNA position 6397, C replaced by G.
Protein change: p.Leu2133Val; replaces leucine 2133 with valine.
Molecular consequence: missense variant.
Genome position (GRCh38, 1-based): chr17:31,336,884, C>G. VCF-style: chr17-31336884-C-G. GRCh37 (hg19) VCF-style: chr17-29663902-C-G.
Other names: c.6334C>G, p.Leu2112Val (NM_000267.4); short protein forms L2112V, L2133V.
Identifiers: ClinVar variation 4710365 (VCV004710365.1).